The following is an entry in ClinVar:

ClinVar aggregate classification (germline): Likely benign (1 of 4 stars; one submission).

Conditions:
Growth delay due to insulin-like growth factor I resistance. Also called: Somatomedin end-organ insensitivity to; Somatomedin-c resistance to; IGF-1 resistance; IGF-I RESISTANCE; Insulin-Like Growth Factor I Resistance. Identifiers: Orphanet 73273, MedGen C1849157, MONDO:0010038, OMIM 270450.

Allele frequency attached by ClinVar (database versions not stated): gnomAD exomes 0.00007; gnomAD 0.00009 and 0.00010; TOPMed 0.00009; 1000 Genomes Project 30x 0.00078; 1000 Genomes Project 0.00080.
gnomAD v4.1: 21 of 233,306 alleles (0.009%); highest among the groups gnomAD compares: Middle Eastern, 0.13%; no homozygotes.

Submission:

Illumina Laboratory Services, Illumina
Classification: Likely benign for Growth delay due to insulin-like growth factor I resistance. Last evaluated: 2018-01-13. Review status: criteria provided, single submitter. Criteria: ICSL Variant Classification Criteria 13 December 2019. Collection method: clinical testing. Allele origin: germline.
Comment: This variant was observed in the ICSL laboratory as part of a predisposition screen in an ostensibly healthy population. It had not been previously curated by ICSL or reported in the Human Gene Mutation Database (HGMD: prior to June 1st, 2018), and was therefore a candidate for classification through an automated scoring system. Utilizing variant allele frequency, disease prevalence and penetrance estimates, and inheritance mode, an automated score was calculated to assess if this variant is too frequent to cause the disease. Based on the score and internal cut-off values, a variant classified as likely benign is not then subjected to further curation. The score for this variant resulted in a classification of likely benign for this disease.

NM_000875.5(IGF1R):c.*4403C>T

Gene: IGF1R (insulin like growth factor 1 receptor; plus strand). Cytogenetic location: 15q26.3.
Variant type: single nucleotide variant.
Coding change: c.*4403C>T on transcript NM_000875.5 (MANE Select); 4403 bases downstream of the stop codon, C replaced by T.
Molecular consequence: 3 prime UTR variant.
Genome position (GRCh38, 1-based): chr15:98,961,845, C>T. VCF-style: chr15-98961845-C-T. GRCh37 (hg19) VCF-style: chr15-99505074-C-T.
Other names: c.*4403C>T (NM_001291858.2).
Identifiers: ClinVar variation 888361 (VCV000888361.4), dbSNP rs116383914, ClinGen allele CA275338963.